The following is an entry in ClinVar:

ClinVar aggregate classification (germline): Conflicting classifications of pathogenicity. Review status: criteria provided, conflicting classifications (1 of 4 stars). 7 submissions from 7 submitters: Uncertain significance (3); Likely benign (1). 3 of the submissions do not count toward it. Last evaluated 2026-02-01.

Conditions:
DNAH5-related disorder. Also called: DNAH5-related condition.
Primary ciliary dyskinesia. Also called: Ciliary dyskinesia. Identifiers: Orphanet 244, MedGen C0008780, MONDO:0016575, HP:0012265.
Infertility disorder. Also called: Infertility. Identifiers: MedGen C0021359, MeSH D007246, MONDO:0005047, HP:0000789.
Primary ciliary dyskinesia 3. Identifiers: Orphanet 244, MedGen C1837618, MONDO:0012085, OMIM 608644.

Allele frequency attached by ClinVar (database versions not stated): ExAC 0.00007; gnomAD 0.00009 and 0.00011; gnomAD exomes 0.00012; ESP Exome Variant Server 0.00015; TOPMed 0.00015; 1000 Genomes Project 30x 0.00031; 1000 Genomes Project 0.00040.
gnomAD v4.1: 278 of 1,614,066 alleles (0.017%); highest among the groups gnomAD compares: Non-Finnish European, 0.021%; no homozygotes.

Submissions (7):

Labcorp Genetics (formerly Invitae), Labcorp
Classification: Likely benign for Primary ciliary dyskinesia. Last evaluated: 2026-02-01. Review status: criteria provided, single submitter. Criteria: Invitae Variant Classification Sherloc (09022015). Collection method: clinical testing. Allele origin: germline.

PreventionGenetics, part of Exact Sciences
Classification: Uncertain significance for DNAH5-related condition. Last evaluated: 2025-01-13. Review status: criteria provided, single submitter. Criteria: ACMG Guidelines, 2015. Collection method: clinical testing. Allele origin: germline.
Comment: The DNAH5 c.12251G>A variant is predicted to result in the amino acid substitution p.Arg4084Gln. To our knowledge, this variant has not been reported in the literature. A different amino acid substitution affecting the same amino acid (p.Arg4084Trp) has been reported in the compound heterozygous state in an individual with congenital heart disease (Supplemental data 6, Watkins et al. 2019. PubMed ID: 31624253). This variant is reported in 0.018% of alleles in individuals of European (Non-Finnish) descent in gnomAD. At this time, the clinical significance of this variant is uncertain due to the absence of conclusive functional and genetic evidence.

Blueprint Genetics
Classification: Uncertain significance. Last evaluated: 2024-07-12. Review status: criteria provided, single submitter. Criteria: ACMG Guidelines, 2015. Collection method: clinical testing. Allele origin: germline.

Illumina Laboratory Services, Illumina
Classification: Uncertain significance for Primary ciliary dyskinesia 3. Last evaluated: 2018-01-13. Review status: criteria provided, single submitter. Criteria: ICSL Variant Classification Criteria 13 December 2019. Collection method: clinical testing. Allele origin: germline.

Natera, Inc.
Classification: Uncertain significance for Primary ciliary dyskinesia. Last evaluated: 2020-02-26. Review status: no assertion criteria provided. Collection method: clinical testing. Allele origin: germline. Not counted in ClinVar's aggregate classification.

Counsyl
Classification: Uncertain significance for Primary ciliary dyskinesia 3. Last evaluated: 2017-03-24. Review status: no assertion criteria provided. Collection method: clinical testing. Allele origin: unknown. Not counted in ClinVar's aggregate classification.

MAGI's Lab - Research, MAGI Group
Classification: Uncertain significance for Infertility disorder. Review status: no assertion criteria provided. Collection method: provider interpretation. Allele origin: germline. Affected: yes. Not counted in ClinVar's aggregate classification.

NM_001369.3(DNAH5):c.12251G>A (p.Arg4084Gln)

Gene: DNAH5 (dynein axonemal heavy chain 5; minus strand). Cytogenetic location: 5p15.2.
Variant type: single nucleotide variant.
Coding change: c.12251G>A on transcript NM_001369.3 (MANE Select); coding-DNA position 12251, G replaced by A.
Protein change: p.Arg4084Gln; replaces arginine 4084 with glutamine.
Molecular consequence: missense variant.
Genome position (GRCh38, 1-based): chr5:13,721,028, C>T on the plus strand (G>A on the coding strand, the complement: DNAH5 is on the minus strand). VCF-style: chr5-13721028-C-T. GRCh37 (hg19) VCF-style: chr5-13721137-C-T.
Other names: short protein forms R4084Q.
Identifiers: ClinVar variation 220051 (VCV000220051.22), dbSNP rs140832239, ClinGen allele CA350552.